The following is an entry in ClinVar:

ClinVar aggregate classification (germline): Likely benign. Review status: criteria provided, multiple submitters, no conflicts (2 of 4 stars). 2 submissions from 2 submitters: Likely benign (2). Last evaluated 2024-07-03.

Allele frequency attached by ClinVar (database versions not stated): ESP Exome Variant Server 0.00008; ExAC 0.00018; gnomAD 0.00020; TOPMed 0.00022; gnomAD exomes 0.00054.
gnomAD v4.1: 799 of 1,614,126 alleles (0.05%); highest among the groups gnomAD compares: Non-Finnish European, 0.066%; no homozygotes.

Submissions (2):

Blueprint Genetics
Classification: Likely benign. Last evaluated: 2024-07-03. Review status: criteria provided, single submitter. Criteria: ACMG Guidelines, 2015. Collection method: clinical testing. Allele origin: germline.

CeGaT Center for Human Genetics Tuebingen
Classification: Likely benign. Last evaluated: 2022-11-01. Review status: criteria provided, single submitter. Criteria: CeGaT Center For Human Genetics Tuebingen Variant Classification Criteria Version 2. Collection method: clinical testing. Allele origin: germline. Affected: yes. Observed: 1 variant allele.
Comment: NCOR1: BP4, BP7

NM_006311.4(NCOR1):c.2568A>G (p.Arg856=)

Gene: NCOR1 (nuclear receptor corepressor 1; minus strand). Cytogenetic location: 17p11.2.
Variant type: single nucleotide variant.
Coding change: c.2568A>G on transcript NM_006311.4 (MANE Select); coding-DNA position 2568, A replaced by G.
Protein change: p.Arg856=; no amino-acid change (arginine 856 retained).
Molecular consequence: synonymous variant.
Genome position (GRCh38, 1-based): chr17:16,101,372, T>C on the plus strand (A>G on the coding strand, the complement: NCOR1 is on the minus strand). VCF-style: chr17-16101372-T-C. GRCh37 (hg19) VCF-style: chr17-16004686-T-C.
Other names: c.2289A>G, p.Arg763= (NM_001190438.2); c.2616A>G, p.Arg872= (NM_001190440.2).
Identifiers: ClinVar variation 2647505 (VCV002647505.25), dbSNP rs201420293, ClinGen allele CA8409003.
Genomic context (GRCh38, chr17:16,101,372, plus strand): 5'-GTCTGACTGGGGCTCGGGCCTTTGGGCATTTATTTGCTGAGCTACCACCAAATCTTCATC[T>C]CTAGGTTCCACCTTCTCACTGGCTCTATCCAAGTCTCTTTCTTTGGTATTATCACCTTCA-3'
Protein context (NP_006302.2, residues 846-866): LDRASEKVEP[Arg856=]DEDLVVAQQI